The following is an entry in ClinVar:

NM_001377142.1(PLCB4):c.408C>A (p.Phe136Leu)

Gene: PLCB4 (phospholipase C beta 4; plus strand). Cytogenetic location: 20p12.2.
Variant type: single nucleotide variant.
Coding change: c.408C>A on transcript NM_001377142.1 (MANE Select); coding-DNA position 408, C replaced by A.
Protein change: p.Phe136Leu; replaces phenylalanine 136 with leucine.
Molecular consequence: missense variant.
Genome position (GRCh38, 1-based): chr20:9,362,934, C>A. VCF-style: chr20-9362934-C-A. GRCh37 (hg19) VCF-style: chr20-9343581-C-A.
Other names: c.408C>A, p.Phe136Leu (NM_000933.4, NM_001172646.2, NM_001377134.2 and 4 more transcripts); short protein forms F136L.
Identifiers: ClinVar variation 161550 (VCV000161550.2), dbSNP rs193921109, ClinGen allele CA174319.

ClinVar aggregate classification (germline): Uncertain significance (0 of 4 stars; one submission).

Conditions:
Prostate cancer. Also called: Malignant tumor of prostate. Identifiers: Orphanet 1331, MedGen C0376358, MONDO:0008315, HP:0012125.

Submission:

Science for Life laboratory,  Karolinska Institutet
Classification: Uncertain significance for Malignant tumor of prostate. Review status: no assertion criteria provided. Collection method: not provided. Allele origin: somatic.
Comment: TumorID:SWE-92A
ClinVar note: Converted during submission from Unknown to Uncertain significance.